The following is an entry in ClinVar:

ClinVar aggregate classification (germline): Likely benign (0 of 4 stars; one submission).

Conditions:
CCND1-related disorder. Also called: CCND1-related condition.

Allele frequency attached by ClinVar (database versions not stated): gnomAD 0.00003; TOPMed 0.00005.
gnomAD v4.1: 34 of 1,613,750 alleles (0.0021%); highest among the groups gnomAD compares: Non-Finnish European, 0.0028%; no homozygotes.

Submission:

PreventionGenetics, part of Exact Sciences
Classification: Likely benign for CCND1-related condition. Last evaluated: 2019-07-23. Review status: no assertion criteria provided. Collection method: clinical testing. Allele origin: germline.
Comment: This variant is classified as likely benign based on ACMG/AMP sequence variant interpretation guidelines (Richards et al. 2015 PMID: 25741868, with internal and published modifications).

NM_053056.3(CCND1):c.714G>A (p.Lys238=)

Gene: CCND1 (cyclin D1; plus strand). Cytogenetic location: 11q13.3.
Variant type: single nucleotide variant.
Coding change: c.714G>A on transcript NM_053056.3 (MANE Select); coding-DNA position 714, G replaced by A.
Protein change: p.Lys238=; no amino-acid change (lysine 238 retained).
Molecular consequence: synonymous variant.
Genome position (GRCh38, 1-based): chr11:69,648,133, G>A. VCF-style: chr11-69648133-G-A. GRCh37 (hg19) VCF-style: chr11-69462901-G-A.
Identifiers: ClinVar variation 3050562 (VCV003050562.2), dbSNP rs760907398, ClinGen allele CA223474524.
Genomic context (GRCh38, chr11:69,648,133, plus strand): 5'-GAGCCCCAACAACTTCCTGTCCTACTACCGCCTCACACGCTTCCTCTCCAGAGTGATCAA[G>A]TGTGACCCGGTAAGTGAGGGTGATGTCCCAGGCAGCCTTGCCGGGGCTTACAGGGGGAGA-3'
Protein context (NP_444284.1, residues 228-248): RLTRFLSRVI[Lys238=]CDPDCLRACQ